The following is an entry in ClinVar:

NM_198123.2(CSMD3):c.7562A>G (p.Gln2521Arg)

Gene: CSMD3 (CUB and Sushi multiple domains 3; minus strand). Cytogenetic location: 8q23.3.
Variant type: single nucleotide variant.
Coding change: c.7562A>G on transcript NM_198123.2 (MANE Select); coding-DNA position 7562, A replaced by G.
Protein change: p.Gln2521Arg; replaces glutamine 2521 with arginine.
Molecular consequence: missense variant.
Genome position (GRCh38, 1-based): chr8:112,314,040, T>C on the plus strand (A>G on the coding strand, the complement: CSMD3 is on the minus strand). VCF-style: chr8-112314040-T-C. GRCh37 (hg19) VCF-style: chr8-113326269-T-C.
Other names: c.7562A>G (NM_198123.1); c.6962A>G, p.Gln2321Arg (NM_001363185.1); c.7250A>G, p.Gln2417Arg (NM_052900.3); c.7442A>G, p.Gln2481Arg (NM_198124.2); short protein forms Q2321R, Q2417R, Q2481R, Q2521R.
Identifiers: ClinVar variation 2658758 (VCV002658758.25), dbSNP rs139333908, ClinGen allele CA4849228.
Genomic context (GRCh38, chr8:112,314,040, plus strand): 5'-TTGCTTGTTATATTAAAAGCAGATGAATAATCCCCACTGAGGGAAATAAGCACTGGACTT[T>C]GAATATTTGGTCCTTTGGGAAGAAAATAAAACAATTTAGATAAAGCTAATTATATTCTCA-3'
Protein context (NP_937756.1, residues 2511-2531): VLQVYDGPNI[Gln2521Arg]SPVLISLSGD

ClinVar aggregate classification (germline): Likely benign. Review status: criteria provided, single submitter (1 of 4 stars). 2 submissions from 2 submitters: Likely benign (1). 1 of the submissions does not count toward it. Last evaluated 2026-05-01.

Conditions:
CSMD3-related disorder. Also called: CSMD3-related condition.

Allele frequency attached by ClinVar (database versions not stated): 1000 Genomes Project 0.00020; 1000 Genomes Project 30x 0.00031; ESP Exome Variant Server 0.00046; gnomAD exomes 0.00050; gnomAD 0.00068; TOPMed 0.00088; ExAC 0.00099.
gnomAD v4.1: 905 of 1,608,558 alleles (0.056%); highest among the groups gnomAD compares: Admixed American, 0.08%; 7 homozygotes.

Submissions (2):

CeGaT Center for Human Genetics Tuebingen
Classification: Likely benign. Last evaluated: 2026-05-01. Review status: criteria provided, single submitter. Criteria: CeGaT Center For Human Genetics Tuebingen Variant Classification Criteria Version 2. Collection method: clinical testing. Allele origin: germline. Affected: yes. Observed: 4 variant alleles.
Comment: CSMD3: BS1

PreventionGenetics, part of Exact Sciences
Classification: Benign for CSMD3-related condition. Last evaluated: 2019-10-28. Review status: no assertion criteria provided. Collection method: clinical testing. Allele origin: germline. Not counted in ClinVar's aggregate classification.
Comment: This variant is classified as benign based on ACMG/AMP sequence variant interpretation guidelines (Richards et al. 2015 PMID: 25741868, with internal and published modifications).